The following is an entry in ClinVar:

ClinVar aggregate classification (germline): Uncertain significance (1 of 4 stars; one submission).

Conditions:
Charcot-Marie-Tooth disease axonal type 2S. Also called: CHARCOT-MARIE-TOOTH NEUROPATHY, TYPE 2S; CHARCOT-MARIE-TOOTH DISEASE, AXONAL, AUTOSOMAL RECESSIVE, TYPE 2S. Identifiers: Orphanet 443073, MedGen C4015349, MONDO:0014511, OMIM 616155.
Autosomal recessive distal spinal muscular atrophy 1. Also called: SEVERE INFANTILE AXONAL NEUROPATHY WITH RESPIRATORY FAILURE; SPINAL MUSCULAR ATROPHY, DIAPHRAGMATIC; Spinal muscular atrophy with respiratory distress 1; HMN VI; NEURONOPATHY, DISTAL HEREDITARY MOTOR, HARDING TYPE VI; NEUROPATHY, DISTAL HEREDITARY MOTOR, AUTOSOMAL RECESSIVE 1. Identifiers: Orphanet 98920, MedGen C1858517, MONDO:0011436, OMIM 604320.

Allele frequency attached by ClinVar (database versions not stated): gnomAD exomes below 0.00001 and 0.00001.
gnomAD v4.1: 17 of 1,590,888 alleles (0.0011%); highest among the groups gnomAD compares: Non-Finnish European, 0.0015%; no homozygotes.

Submission:

Labcorp Genetics (formerly Invitae), Labcorp
Classification: Uncertain significance for Autosomal recessive distal spinal muscular atrophy 1; Charcot-Marie-Tooth disease axonal type 2S. Last evaluated: 2021-08-02. Review status: criteria provided, single submitter. Criteria: Invitae Variant Classification Sherloc (09022015). Collection method: clinical testing. Allele origin: germline.
Comment: In summary, the available evidence is currently insufficient to determine the role of this variant in disease. Therefore, it has been classified as a Variant of Uncertain Significance. Algorithms developed to predict the effect of missense changes on protein structure and function are either unavailable or do not agree on the potential impact of this missense change (SIFT: "Deleterious"; PolyPhen-2: "Possibly Damaging"; Align-GVGD: "Class C0"). This variant has not been reported in the literature in individuals with IGHMBP2-related conditions. This variant is not present in population databases (ExAC no frequency). This sequence change replaces glycine with arginine at codon 510 of the IGHMBP2 protein (p.Gly510Arg). The glycine residue is moderately conserved and there is a moderate physicochemical difference between glycine and arginine.

NM_002180.3(IGHMBP2):c.1528G>A (p.Gly510Arg)

Gene: IGHMBP2 (immunoglobulin mu DNA binding protein 2; plus strand). Cytogenetic location: 11q13.3.
Variant type: single nucleotide variant.
Coding change: c.1528G>A on transcript NM_002180.3 (MANE Select); coding-DNA position 1528, G replaced by A.
Protein change: p.Gly510Arg; replaces glycine 510 with arginine.
Molecular consequence: missense variant.
Genome position (GRCh38, 1-based): chr11:68,933,904, G>A. VCF-style: chr11-68933904-G-A. GRCh37 (hg19) VCF-style: chr11-68701372-G-A.
Other names: short protein forms G510R.
Identifiers: ClinVar variation 845301 (VCV000845301.8), dbSNP rs1049595127, ClinGen allele CA223409046.